The following is an entry in ClinVar:

ClinVar aggregate classification (germline): Uncertain significance (1 of 4 stars; one submission).

Conditions:
POLD1-related polyposis and colorectal cancer syndrome (CRCS10). Also called: Colorectal cancer 10; Colorectal cancer, susceptibility to, 10; COLORECTAL CANCER, SUSCEPTIBILITY TO, ON CHROMOSOME 19q. Identifiers: Orphanet 220460, MedGen C2675481, MONDO:0012953, OMIM 612591.

Submission:

Labcorp Genetics (formerly Invitae), Labcorp
Classification: Uncertain significance for POLD1-related polyposis and colorectal cancer syndrome. Last evaluated: 2025-08-07. Review status: criteria provided, single submitter. Criteria: Invitae Variant Classification Sherloc (09022015). Collection method: clinical testing. Allele origin: germline.
Comment: This variant results in the deletion of part of exon 20 (c.2564_2564+15del) of the POLD1 gene. It is expected to disrupt RNA splicing. Variants that disrupt the donor or acceptor splice site typically lead to a loss of protein function (PMID: 16199547), however the current clinical and genetic evidence is not sufficient to establish whether loss-of-function variants in POLD1 cause disease. This variant is not present in population databases (gnomAD no frequency). This variant has not been reported in the literature in individuals affected with POLD1-related conditions. ClinVar contains an entry for this variant (Variation ID: 2696791). In summary, the available evidence is currently insufficient to determine the role of this variant in disease. Therefore, it has been classified as a Variant of Uncertain Significance.

Literature cited by the submitters: PubMed 16199547.

NM_002691.4(POLD1):c.2564_2564+15del

Gene: POLD1 (DNA polymerase delta 1, catalytic subunit; plus strand). Cytogenetic location: 19q13.33.
Variant type: Deletion.
Coding change: c.2564_2564+15del on transcript NM_002691.4 (MANE Select); coding-DNA position 2564 through 15 bases into the intron after coding-DNA position 2564, 16 bases deleted (GGTGTGTGGGGCCTCC).
Molecular consequence: splice donor variant.
Genome position (GRCh38, 1-based): chr19:50,414,990-50,415,005, GGTGTGTGGGGCCTCC deleted; deleting any 16 consecutive bases within chr19:50,414,988-50,415,005 gives the same sequence; the c. name uses the placement nearest the transcript's 3' end. VCF-style (leftmost placement, unchanged base first): chr19-50414987-ACCGGTGTGTGGGGCCT-A. GRCh37 (hg19) VCF-style: chr19-50918244-ACCGGTGTGTGGGGCCT-A.
Other names: c.2564_2564+15del (NM_001256849.1); c.2642_2642+15del (NM_001308632.1).
Identifiers: ClinVar variation 2696791 (VCV002696791.3), dbSNP rs2514049270, ClinGen allele CA2697552010.